The following is an entry in ClinVar:

NM_005732.4(RAD50):c.3601T>G (p.Cys1201Gly)

Genes: RAD50 (RAD50 double strand break repair protein; plus strand), TH2-LCR (Th2 cytokine locus control region; plus strand), TH2LCRR (T helper type 2 locus control region associated RNA; minus strand). Cytogenetic location: 5q31.1.
Variant type: single nucleotide variant.
Coding change: c.3601T>G on transcript NM_005732.4 (MANE Select); coding-DNA position 3601, T replaced by G.
Protein change: p.Cys1201Gly; replaces cysteine 1201 with glycine.
Molecular consequence: missense variant. On other transcripts: non-coding transcript variant (3).
Genome position (GRCh38, 1-based): chr5:132,638,206, T>G. VCF-style: chr5-132638206-T-G. GRCh37 (hg19) VCF-style: chr5-131973898-T-G.
Other names: short protein forms C1201G.
Identifiers: ClinVar variation 2451428 (VCV002451428.2), dbSNP rs377415802, ClinGen allele CA360932357.

ClinVar aggregate classification (germline): Uncertain significance (1 of 4 stars; one submission).

Conditions:
Hereditary cancer-predisposing syndrome. Also called: Neoplastic Syndromes, Hereditary; Tumor predisposition; Hereditary neoplastic syndrome; Hereditary Cancer Syndrome. Identifiers: Orphanet 140162, MedGen C0027672, MeSH D009386, MONDO:0015356.

Submission:

Ambry Genetics
Classification: Uncertain significance for Hereditary cancer-predisposing syndrome. Last evaluated: 2023-02-04. Review status: criteria provided, single submitter. Criteria: Ambry Variant Classification Scheme 2023. Collection method: clinical testing. Allele origin: germline.
Comment: The p.C1201G variant (also known as c.3601T>G), located in coding exon 23 of the RAD50 gene, results from a T to G substitution at nucleotide position 3601. The cysteine at codon 1201 is replaced by glycine, an amino acid with highly dissimilar properties. This amino acid position is conserved. In addition, this alteration is predicted to be deleterious by in silico analysis. Since supporting evidence is limited at this time, the clinical significance of this alteration remains unclear.